The following is an entry in ClinVar:

NM_001330311.2(DVL1):c.421G>A (p.Val141Ile)

Gene: DVL1 (dishevelled segment polarity protein 1; minus strand). Cytogenetic location: 1p36.33.
Variant type: single nucleotide variant.
Coding change: c.421G>A on transcript NM_001330311.2 (MANE Select); coding-DNA position 421, G replaced by A.
Protein change: p.Val141Ile; replaces valine 141 with isoleucine.
Molecular consequence: missense variant.
Genome position (GRCh38, 1-based): chr1:1,342,098, C>T on the plus strand (G>A on the coding strand, the complement: DVL1 is on the minus strand). VCF-style: chr1-1342098-C-T. GRCh37 (hg19) VCF-style: chr1-1277478-C-T.
Other names: c.421G>A, p.Val141Ile (NM_004421.3); short protein forms V141I.
Identifiers: ClinVar variation 4245643 (VCV004245643.4).
Genomic context (GRCh38, chr1:1,342,098, plus strand): 5'-ACATGACCACTGTACCCTCCTCGCGGTTCCGGCGTCGGGCACGCTCCCGCCGGTGACTGA[C>T]CATGGACTCCGTGCCTGTCTCGTTGTCCATCCCGTCACGGCTGCTGGCCACATTTGGGCT-3'
Protein context (NP_001317240.1, residues 131-151): MDNETGTESM[Val141Ile]SHRRERARRR

ClinVar aggregate classification (germline): Uncertain significance. Review status: criteria provided, multiple submitters, no conflicts (2 of 4 stars). 3 submissions from 3 submitters: Uncertain significance (3). Last evaluated 2026-04-28.

Conditions:
Inborn genetic diseases. Identifiers: MedGen C0950123, MeSH D030342.

gnomAD v4.1: 19 of 1,595,630 alleles (0.0012%); highest among the groups gnomAD compares: Middle Eastern, 0.016%; no homozygotes.

Submissions (3):

Dasa
Classification: Uncertain significance. Last evaluated: 2026-04-28. Review status: criteria provided, single submitter. Criteria: DASA Assertion Criteria. Collection method: clinical testing. Allele origin: germline.
Comment: NM_001330311.2(DVL1):c.421G>A (p.Val141Ile) is a missense variant that results in the substitution of valine with isoleucine. This variant is rare in population databases. Computational prediction algorithms are consistent with a benign effect. The currently available literature and clinical evidence are not sufficient to establish a definitive association between this variant and the reported condition. Therefore, this variant is classified as a variant of uncertain significance.

Labcorp Genetics (formerly Invitae), Labcorp
Classification: Uncertain significance. Last evaluated: 2025-12-25. Review status: criteria provided, single submitter. Criteria: Invitae Variant Classification Sherloc (09022015). Collection method: clinical testing. Allele origin: germline.
Comment: This sequence change replaces valine, which is neutral and non-polar, with isoleucine, which is neutral and non-polar, at codon 141 of the DVL1 protein (p.Val141Ile). The frequency data for this variant in the population databases is considered unreliable, as metrics indicate poor data quality at this position in the gnomAD database. This variant has not been reported in the literature in individuals affected with DVL1-related conditions. ClinVar contains an entry for this variant (Variation ID: 4245643). Invitae Evidence Modeling of protein sequence and biophysical properties (such as structural, functional, and spatial information, amino acid conservation, physicochemical variation, residue mobility, and thermodynamic stability) indicates that this missense variant is not expected to disrupt DVL1 protein function with a negative predictive value of 80%. In summary, the available evidence is currently insufficient to determine the role of this variant in disease. Therefore, it has been classified as a Variant of Uncertain Significance.

Ambry Genetics
Classification: Uncertain significance for Inborn genetic diseases. Last evaluated: 2025-08-10. Review status: criteria provided, single submitter. Criteria: Ambry Variant Classification Scheme 2023. Collection method: clinical testing. Allele origin: germline.